The following is an entry in ClinVar:

NM_001378452.1(ITPR1):c.*643A>T

Gene: ITPR1 (inositol 1,4,5-trisphosphate receptor type 1; plus strand). Cytogenetic location: 3p26.1.
Variant type: single nucleotide variant.
Coding change: c.*643A>T on transcript NM_001378452.1 (MANE Select); 643 bases downstream of the stop codon, A replaced by T.
Molecular consequence: 3 prime UTR variant.
Genome position (GRCh38, 1-based): chr3:4,846,868, A>T. VCF-style: chr3-4846868-A-T. GRCh37 (hg19) VCF-style: chr3-4888552-A-T.
Other names: c.*643A>T (NM_001099952.4, NM_001168272.2, NM_002222.7).
Identifiers: ClinVar variation 345905 (VCV000345905.6), dbSNP rs41305987, ClinGen allele CA10618896.

ClinVar aggregate classification (germline): Benign. Review status: criteria provided, multiple submitters, no conflicts (2 of 4 stars). 2 submissions from 2 submitters: Benign (2). Last evaluated 2018-01-13.

Conditions:
Autosomal dominant cerebellar ataxia. Also called: Spinocerebellar Ataxia, Dominant. Identifiers: Orphanet 99, MedGen C4087347, MONDO:0020380.

Allele frequency attached by ClinVar (database versions not stated): 1000 Genomes Project 30x 0.01015; 1000 Genomes Project 0.01018; TOPMed 0.01812; gnomAD 0.02377 and 0.02460; gnomAD exomes 0.06776.
gnomAD v4.1: 3,631 of 152,748 alleles (2.4%); highest among the groups gnomAD compares: Non-Finnish European, 3.2%; 70 homozygotes.

Submissions (2):

Illumina Laboratory Services, Illumina
Classification: Benign for Spinocerebellar Ataxia, Dominant. Last evaluated: 2018-01-13. Review status: criteria provided, single submitter. Criteria: ICSL Variant Classification Criteria 13 December 2019. Collection method: clinical testing. Allele origin: germline.
Comment: This variant was observed in the ICSL laboratory as part of a predisposition screen in an ostensibly healthy population. It had not been previously curated by ICSL or reported in the Human Gene Mutation Database (HGMD: prior to June 1st, 2018), and was therefore a candidate for classification through an automated scoring system. Utilizing variant allele frequency, disease prevalence and penetrance estimates, and inheritance mode, an automated score was calculated to assess if this variant is too frequent to cause the disease. Based on the score and internal cut-off values, a variant classified as benign is not then subjected to further curation. The score for this variant resulted in a classification of benign for this disease.

Breakthrough Genomics
Classification: Benign. Review status: criteria provided, single submitter. Criteria: ACMG Guidelines, 2015. Collection method: not provided. Allele origin: germline. Inheritance: Autosomal dominant inheritance. Affected: yes.